The following is an entry in ClinVar:

NM_152703.5(SAMD9L):c.2890A>T (p.Met964Leu)

Gene: SAMD9L (sterile alpha motif domain containing 9 like; minus strand). Cytogenetic location: 7q21.2.
Variant type: single nucleotide variant.
Coding change: c.2890A>T on transcript NM_152703.5 (MANE Select); coding-DNA position 2890, A replaced by T.
Protein change: p.Met964Leu; replaces methionine 964 with leucine.
Molecular consequence: missense variant.
Genome position (GRCh38, 1-based): chr7:93,133,082, T>A on the plus strand (A>T on the coding strand, the complement: SAMD9L is on the minus strand). VCF-style: chr7-93133082-T-A. GRCh37 (hg19) VCF-style: chr7-92762395-T-A.
Other names: c.2890A>T, p.Met964Leu (NM_001350085.2, NM_001303496.3, NM_001303497.3 and 5 more transcripts); short protein forms M964L.
Identifiers: ClinVar variation 4159399 (VCV004159399.1).
Genomic context (GRCh38, chr7:93,133,082, plus strand): 5'-CTGTGTATCTCCCATATTCTGCAACTTCTGTTTTTATTAGAAGTGTAGAATAAGTTCCCA[T>A]CTTGTCTTCTAAGCTTTCAGGTTCCCAGGGTGTACTAGTGTATATGATTCCCAAAAATAT-3'
Protein context (NP_689916.2, residues 954-974): PWEPESLEDK[Met964Leu]GTYSTLLIKT

ClinVar aggregate classification (germline): Uncertain significance (1 of 4 stars; one submission).

Conditions:
Inborn genetic diseases. Identifiers: MedGen C0950123, MeSH D030342.

Submission:

Ambry Genetics
Classification: Uncertain significance for Inborn genetic diseases. Last evaluated: 2025-08-14. Review status: criteria provided, single submitter. Criteria: Ambry Variant Classification Scheme 2023. Collection method: clinical testing. Allele origin: germline.
Comment: The p.M964L variant (also known as c.2890A>T), located in coding exon 1 of the SAMD9L gene, results from an A to T substitution at nucleotide position 2890. The methionine at codon 964 is replaced by leucine, an amino acid with highly similar properties. This amino acid position is conserved. In addition, this alteration is predicted to be tolerated by in silico analysis. Based on the available evidence, the clinical significance of this variant remains unclear.